The following is an entry in ClinVar:

NM_004006.3(DMD):c.6028G>T (p.Ala2010Ser)

Gene: DMD (dystrophin; minus strand). Cytogenetic location: Xp21.1.
Variant type: single nucleotide variant.
Coding change: c.6028G>T on transcript NM_004006.3 (MANE Select); coding-DNA position 6028, G replaced by T.
Protein change: p.Ala2010Ser; replaces alanine 2010 with serine.
Molecular consequence: missense variant.
Genome position (GRCh38, 1-based): chrX:32,310,171, C>A on the plus strand (G>T on the coding strand, the complement: DMD is on the minus strand). VCF-style: chrX-32310171-C-A. GRCh37 (hg19) VCF-style: chrX-32328288-C-A.
Other names: c.6004G>T, p.Ala2002Ser (NM_000109.4); c.6016G>T, p.Ala2006Ser (NM_004009.3); c.5659G>T, p.Ala1887Ser (NM_004010.3); c.2005G>T, p.Ala669Ser (NM_004011.4); c.1996G>T, p.Ala666Ser (NM_004012.4); short protein forms A666S, A2006S, A2010S, A1887S, A2002S, A669S.
Identifiers: ClinVar variation 955444 (VCV000955444.9), dbSNP rs72468613, ClinGen allele CA328532034.
Genomic context (GRCh38, chrX:32,310,171, plus strand): 5'-CTTCAAAGTCCTTAGCACAGAGGTCAGGAGCATTGAGAAGTTGTTCCACTTCTAATAGGG[C>A]TTGTGAGACATGAGTGATTTCAGTCAAATAAGTAGAAGGCACATAAGAAATTTCCAAAGG-3'
Protein context (NP_003997.2, residues 2000-2020): YLTEITHVSQ[Ala2010Ser]LLEVEQLLNA

ClinVar aggregate classification (germline): Uncertain significance. Review status: criteria provided, multiple submitters, no conflicts (2 of 4 stars). 3 submissions from 3 submitters: Uncertain significance (2). 1 of the submissions does not count toward it. Last evaluated 2021-08-28.

Conditions:
Duchenne muscular dystrophy (DMD). Also called: MUSCULAR DYSTROPHY, PSEUDOHYPERTROPHIC PROGRESSIVE, DUCHENNE TYPE; Duchenne Muscular Dystrophy (DMD). Identifiers: Orphanet 98896, MedGen C0013264, MONDO:0010679, OMIM 310200.
Dystrophin deficiency.
Becker muscular dystrophy (BMD). Also called: MUSCULAR DYSTROPHY, PSEUDOHYPERTROPHIC PROGRESSIVE, BECKER TYPE; Becker Muscular Dystrophy (BMD). Identifiers: Orphanet 98895, MedGen C0917713, MONDO:0010311, OMIM 300376.
Cardiomyopathy (CMYO). Also called: Cardiomyopathies. Identifiers: Orphanet 167848, MedGen C0878544, MONDO:0004994, HP:0001638. Inheritance: Various modes of inheritance.

Allele frequency attached by ClinVar (database versions not stated): gnomAD exomes 0.00001; TOPMed 0.00001; gnomAD 0.00001.
gnomAD v4.1: 3 of 1,207,086 alleles (0.00025%); highest among the groups gnomAD compares: Admixed American, 0.0044%; no homozygotes.

Submissions (3):

Labcorp Genetics (formerly Invitae), Labcorp
Classification: Uncertain significance for Duchenne muscular dystrophy. Last evaluated: 2021-08-28. Review status: criteria provided, single submitter. Criteria: Invitae Variant Classification Sherloc (09022015). Collection method: clinical testing. Allele origin: germline.
Comment: This sequence change replaces alanine with serine at codon 2010 of the DMD protein (p.Ala2010Ser). The alanine residue is highly conserved and there is a moderate physicochemical difference between alanine and serine. This variant is not present in population databases (ExAC no frequency). This variant has not been reported in the literature in individuals affected with DMD-related conditions. Algorithms developed to predict the effect of missense changes on protein structure and function are either unavailable or do not agree on the potential impact of this missense change (SIFT: "Deleterious"; PolyPhen-2: "Possibly Damaging"; Align-GVGD: "Class C0"). In summary, the available evidence is currently insufficient to determine the role of this variant in disease. Therefore, it has been classified as a Variant of Uncertain Significance.

Revvity Omics, Revvity
Classification: Uncertain significance. Last evaluated: 2019-06-13. Review status: criteria provided, single submitter. Criteria: ACMG Guidelines, 2015. Collection method: clinical testing. Allele origin: germline.

Natera, Inc.
Classification: Uncertain significance for Becker muscular dystrophy; Cardiomyopathy; Duchenne muscular dystrophy; Dystrophin deficiency. Last evaluated: 2018-06-01. Review status: no assertion criteria provided. Collection method: clinical testing. Allele origin: germline. Not counted in ClinVar's aggregate classification.